The following is an entry in ClinVar:

ClinVar aggregate classification (germline): Uncertain significance (1 of 4 stars; one submission).

Allele frequency attached by ClinVar (database versions not stated): TOPMed 0.00001.

Submission:

Labcorp Genetics (formerly Invitae), Labcorp
Classification: Uncertain significance. Last evaluated: 2025-05-07. Review status: criteria provided, single submitter. Criteria: Invitae Variant Classification Sherloc (09022015). Collection method: clinical testing. Allele origin: germline.
Comment: This sequence change replaces asparagine, which is neutral and polar, with isoleucine, which is neutral and non-polar, at codon 276 of the LRRC10 protein (p.Asn276Ile). This variant is present in population databases (no rsID available, gnomAD 0.0009%). This variant has not been reported in the literature in individuals affected with LRRC10-related conditions. ClinVar contains an entry for this variant (Variation ID: 2080371). An algorithm developed to predict the effect of missense changes on protein structure and function (PolyPhen-2) suggests that this variant is likely to be tolerated. In summary, the available evidence is currently insufficient to determine the role of this variant in disease. Therefore, it has been classified as a Variant of Uncertain Significance.

NM_201550.4(LRRC10):c.827A>T (p.Asn276Ile)

Gene: LRRC10 (leucine rich repeat containing 10; minus strand). Cytogenetic location: 12q15.
Variant type: single nucleotide variant.
Coding change: c.827A>T on transcript NM_201550.4 (MANE Select); coding-DNA position 827, A replaced by T.
Protein change: p.Asn276Ile; replaces asparagine 276 with isoleucine.
Molecular consequence: missense variant.
Genome position (GRCh38, 1-based): chr12:69,610,012, T>A on the plus strand (A>T on the coding strand, the complement: LRRC10 is on the minus strand). VCF-style: chr12-69610012-T-A. GRCh37 (hg19) VCF-style: chr12-70003792-T-A.
Other names: short protein forms N276I.
Identifiers: ClinVar variation 2080371 (VCV002080371.4), dbSNP rs758958818, ClinGen allele CA385734896.